The following is an entry in ClinVar:

ClinVar aggregate classification (germline): Likely benign (1 of 4 stars; one submission).

Allele frequency attached by ClinVar (database versions not stated): ExAC 0.00050; gnomAD 0.00060; ESP Exome Variant Server 0.00062; TOPMed 0.00068; 1000 Genomes Project 0.00100; 1000 Genomes Project 30x 0.00109.

Submission:

CeGaT Center for Human Genetics Tuebingen
Classification: Likely benign. Last evaluated: 2023-03-01. Review status: criteria provided, single submitter. Criteria: CeGaT Center For Human Genetics Tuebingen Variant Classification Criteria Version 2. Collection method: clinical testing. Allele origin: germline. Affected: yes. Observed: 2 variant alleles.
Comment: SCNN1D: BP4, BP7

NM_001130413.4(SCNN1D):c.1287C>T (p.Tyr429=)

Gene: SCNN1D (sodium channel epithelial 1 subunit delta; plus strand). Cytogenetic location: 1p36.33.
Variant type: single nucleotide variant.
Coding change: c.1287C>T on transcript NM_001130413.4 (MANE Select); coding-DNA position 1287, C replaced by T.
Protein change: p.Tyr429=; no amino-acid change (tyrosine 429 retained).
Molecular consequence: synonymous variant. On other transcripts: non-coding transcript variant (1).
Genome position (GRCh38, 1-based): chr1:1,287,276, C>T. VCF-style: chr1-1287276-C-T. GRCh37 (hg19) VCF-style: chr1-1222656-C-T.
Identifiers: ClinVar variation 2637993 (VCV002637993.24), dbSNP rs111644205, ClinGen allele CA514622.